The following is an entry in ClinVar:

ClinVar aggregate classification (germline): Uncertain significance (1 of 4 stars; one submission).

Submission:

GeneDx
Classification: Uncertain significance. Last evaluated: 2022-02-01. Review status: criteria provided, single submitter. Criteria: GeneDx Variant Classification Process June 2021. Collection method: clinical testing. Allele origin: germline. Affected: yes.
Comment: Not observed at significant frequency in large population cohorts (gnomAD); In silico analysis supports that this missense variant has a deleterious effect on protein structure/function; Has not been previously published as pathogenic or benign to our knowledge

NM_017780.4(CHD7):c.3650A>G (p.Tyr1217Cys)

Gene: CHD7 (chromodomain helicase DNA binding protein 7; plus strand). Cytogenetic location: 8q12.2.
Variant type: single nucleotide variant.
Coding change: c.3650A>G on transcript NM_017780.4 (MANE Select); coding-DNA position 3650, A replaced by G.
Protein change: p.Tyr1217Cys; replaces tyrosine 1217 with cysteine.
Molecular consequence: missense variant. On other transcripts: intron variant (1).
Genome position (GRCh38, 1-based): chr8:60,830,449, A>G. VCF-style: chr8-60830449-A-G. GRCh37 (hg19) VCF-style: chr8-61743008-A-G.
Other names: c.1717-31780A>G (NM_001316690.1); short protein forms Y1217C.
Identifiers: ClinVar variation 1700782 (VCV001700782.2), dbSNP rs2150764796, ClinGen allele CA371315457.